The following is an entry in ClinVar:

ClinVar aggregate classification (germline): Uncertain significance (1 of 4 stars; one submission).

Submission:

Women's Health and Genetics/Laboratory Corporation of America, LabCorp
Classification: Uncertain significance. Last evaluated: 2025-06-18. Review status: criteria provided, single submitter. Criteria: LabCorp Variant Classification Summary - May 2015. Collection method: clinical testing. Allele origin: germline.
Comment: Variant summary: The variant involves the deletion of exon 42 in the LAMA1 gene. A presumed nomenclature of c.(5890+1_5891-1)_(6007+1_6008-1)del has been designated for the purposes of this classification. This Copy Number Variant (CNV) is predicted to result in an in-frame deletion within this gene. To our knowledge, no pathogenic/likely pathogenic missense or in-frame indel variants within the deleted region have been recorded by our lab or in ClinVar. The variant was absent in 21642 control chromosomes. The available data on variant occurrences in the general population are insufficient to allow any conclusion about variant significance. To our knowledge, no occurrence of c.(5890+1_5891-1)_(6007+1_6008-1)del in individuals affected with Ataxia-Intellectual Disability-Oculomotor Apraxia-Cerebellar Cysts Syndrome and no experimental evidence demonstrating its impact on protein function have been reported. No submitters have cited clinical-significance assessments for this variant to ClinVar. Based on the evidence outlined above, the variant was classified as uncertain significance.

NC_000018.9:g.(6978378_6980519)_(6980637_6982495)del

Gene: LAMA1 (laminin subunit alpha 1; minus strand). Cytogenetic location: 18p11.31.
Variant type: Deletion.
Identifiers: ClinVar variation 3907023 (VCV003907023.1).